The following is an entry in ClinVar:

NM_001379500.1(COL18A1):c.107-11895G>A

Gene: COL18A1 (collagen type XVIII alpha 1 chain; plus strand). Cytogenetic location: 21q22.3.
Variant type: single nucleotide variant.
Coding change: c.107-11895G>A on transcript NM_001379500.1 (MANE Select); 11895 bases into the intron before coding-DNA position 107, G replaced by A.
Molecular consequence: intron variant. On other transcripts: missense variant (1).
Genome position (GRCh38, 1-based): chr21:45,456,347, G>A. VCF-style: chr21-45456347-G-A. GRCh37 (hg19) VCF-style: chr21-46876261-G-A.
Other names: c.817G>A, p.Gly273Ser (NM_130444.3); c.646+171G>A (NM_030582.4); short protein forms G273S.
Identifiers: ClinVar variation 4989019 (VCV004989019.1).
Genomic context (GRCh38, chr21:45,456,347, plus strand): 5'-CAACGCCCTGACGTCCGCCTGCGCACGCCACTTCTGCACCCCCTGGTGATGGGCTCCCTG[G>A]GCAAGCACGCGGCCCCCTCCGCCTTCTCCTCTGGGCTCCCGGGCGCACTGTCTCAGGTCG-3'

ClinVar aggregate classification (germline): Uncertain significance (1 of 4 stars; one submission).

Conditions:
COL18A1-related disorder. Also called: COL18A1-related disorders; COL18A1-related condition.

gnomAD v4.1: 16 of 1,550,456 alleles (0.001%); highest among the groups gnomAD compares: Middle Eastern, 0.017%; no homozygotes.

Submission:

PreventionGenetics, part of Exact Sciences
Classification: Uncertain significance for COL18A1-related condition. Last evaluated: 2025-11-01. Review status: criteria provided, single submitter. Criteria: ACMG Guidelines, 2015. Collection method: clinical testing. Allele origin: germline.
Comment: The COL18A1 c.817G>A variant is predicted to result in the amino acid substitution p.Gly273Ser. To our knowledge, this variant has not been reported in the literature. This variant is reported in 0.0088% of alleles in individuals of South Asian descent in gnomAD. At this time, the clinical significance of this variant is uncertain due to the absence of conclusive functional and genetic evidence.